The following is an entry in ClinVar:

NM_001375405.1(CEP120):c.16G>T (p.Asp6Tyr)

Gene: CEP120 (centrosomal protein 120; minus strand). Cytogenetic location: 5q23.2.
Variant type: single nucleotide variant.
Coding change: c.16G>T on transcript NM_001375405.1 (MANE Select); coding-DNA position 16, G replaced by T.
Protein change: p.Asp6Tyr; replaces aspartic acid 6 with tyrosine.
Molecular consequence: missense variant. On other transcripts: 5 prime UTR variant (2), non-coding transcript variant (1), intron variant (1).
Genome position (GRCh38, 1-based): chr5:123,422,983, C>A on the plus strand (G>T on the coding strand, the complement: CEP120 is on the minus strand). VCF-style: chr5-123422983-C-A. GRCh37 (hg19) VCF-style: chr5-122758677-C-A.
Other names: c.16G>T, p.Asp6Tyr (NM_001375406.1, NM_001375407.1, NM_153223.4); c.-733G>T (NM_001375408.1); c.-675G>T (NM_001375409.1); c.-30+526G>T (NM_001166226.2); short protein forms D6Y.
Identifiers: ClinVar variation 1477063 (VCV001477063.9), dbSNP rs531662259, ClinGen allele CA3387397.
Genomic context (GRCh38, chr5:123,422,983, plus strand): 5'-TGCAAAAGCAAGCCTCAGGCTGCTCACCTTCTAGGATGGACACGACGATGAGCAATTGGT[C>A]GGATTTGGAGACCATGGTTGCGGTGAGCGGTCCGGGGGCGAAGGCGGCTGGGGGGAAGTG-3'
Protein context (NP_001362334.1, residues 1-16): MVSKS[Asp6Tyr]QLLIVVSILE

ClinVar aggregate classification (germline): Uncertain significance. Review status: criteria provided, multiple submitters, no conflicts (2 of 4 stars). 2 submissions from 2 submitters: Uncertain significance (2). Last evaluated 2022-06-22.

Conditions:
Short-rib thoracic dysplasia 13 with or without polydactyly (SRTD13). Identifiers: Orphanet 474, MedGen C4225378, MONDO:0014577, OMIM 616300.

Allele frequency attached by ClinVar (database versions not stated): gnomAD exomes below 0.00001 and 0.00001; ExAC 0.00001; gnomAD 0.00001; TOPMed 0.00001; 1000 Genomes Project 30x 0.00016; 1000 Genomes Project 0.00020.

Submissions (2):

GeneDx
Classification: Uncertain significance. Last evaluated: 2022-06-22. Review status: criteria provided, single submitter. Criteria: GeneDx Variant Classification Process June 2021. Collection method: clinical testing. Allele origin: germline. Affected: yes.
Comment: Not observed at significant frequency in large population cohorts (gnomAD); In silico analysis supports that this missense variant has a deleterious effect on protein structure/function; Has not been previously published as pathogenic or benign to our knowledge

Labcorp Genetics (formerly Invitae), Labcorp
Classification: Uncertain significance for Short-rib thoracic dysplasia 13 with or without polydactyly. Last evaluated: 2022-02-05. Review status: criteria provided, single submitter. Criteria: Invitae Variant Classification Sherloc (09022015). Collection method: clinical testing. Allele origin: germline.
Comment: In summary, the available evidence is currently insufficient to determine the role of this variant in disease. Therefore, it has been classified as a Variant of Uncertain Significance. Algorithms developed to predict the effect of missense changes on protein structure and function are either unavailable or do not agree on the potential impact of this missense change (SIFT: "Deleterious"; PolyPhen-2: "Possibly Damaging"; Align-GVGD: "Class C0"). This variant has not been reported in the literature in individuals affected with CEP120-related conditions. This variant is present in population databases (rs531662259, gnomAD 0.007%). This sequence change replaces aspartic acid, which is acidic and polar, with tyrosine, which is neutral and polar, at codon 6 of the CEP120 protein (p.Asp6Tyr).